The following is an entry in ClinVar:

NM_031935.3(HMCN1):c.6377A>C (p.Gln2126Pro)

Gene: HMCN1 (hemicentin 1; plus strand). Cytogenetic location: 1q31.1.
Variant type: single nucleotide variant.
Coding change: c.6377A>C on transcript NM_031935.3 (MANE Select); coding-DNA position 6377, A replaced by C.
Protein change: p.Gln2126Pro; replaces glutamine 2126 with proline.
Molecular consequence: missense variant.
Genome position (GRCh38, 1-based): chr1:186,045,760, A>C. VCF-style: chr1-186045760-A-C. GRCh37 (hg19) VCF-style: chr1-186014892-A-C.
Other names: short protein forms Q2126P.
Identifiers: ClinVar variation 2071003 (VCV002071003.4), dbSNP rs756040410, ClinGen allele CA343899787.

ClinVar aggregate classification (germline): Uncertain significance (1 of 4 stars; one submission).

Submission:

Labcorp Genetics (formerly Invitae), Labcorp
Classification: Uncertain significance. Last evaluated: 2024-02-24. Review status: criteria provided, single submitter. Criteria: Invitae Variant Classification Sherloc (09022015). Collection method: clinical testing. Allele origin: germline.
Comment: This sequence change replaces glutamine, which is neutral and polar, with proline, which is neutral and non-polar, at codon 2126 of the HMCN1 protein (p.Gln2126Pro). This variant is not present in population databases (gnomAD no frequency). This variant has not been reported in the literature in individuals affected with HMCN1-related conditions. ClinVar contains an entry for this variant (Variation ID: 2071003). An algorithm developed to predict the effect of missense changes on protein structure and function (PolyPhen-2) suggests that this variant is likely to be disruptive. In summary, the available evidence is currently insufficient to determine the role of this variant in disease. Therefore, it has been classified as a Variant of Uncertain Significance.